The following is an entry in ClinVar:

ClinVar aggregate classification (germline): Conflicting classifications of pathogenicity. Review status: criteria provided, conflicting classifications (1 of 4 stars). 2 submissions from 2 submitters: Likely pathogenic (1); Uncertain significance (1). Last evaluated 2020-08-12.

Conditions:
SCN2A-related disorder. Also called: SCN2A-related disorders; SCN2A-related condition. Identifiers: MedGen CN382226, MONDO:1060245.

Submissions (2):

Blueprint Genetics
Classification: Likely pathogenic for SCN2A-related disorders. Last evaluated: 2020-08-12. Review status: criteria provided, single submitter. Criteria: ACMG Guidelines, 2015. Collection method: clinical testing. Allele origin: germline. Affected: yes. Observed: 1 variant allele.

GeneDx
Classification: Uncertain significance. Last evaluated: 2013-07-01. Review status: criteria provided, single submitter. Criteria: GeneDx Variant Classification (06012015). Collection method: clinical testing. Allele origin: germline. Affected: yes.
Comment: p.Arg1632Lys (AGG>AAG): c.4895 G>A in exon 27 in the SCN2A gene (NM_021007.2). The R1632K mutation in the SCNA2 gene has not been reported previously as a disease-causing mutation nor as a benign polymorphism, to our knowledge. The R1632K mutation was not observed in approximately 6500 individuals of European and African American ancestry in the NHLBI Exome Sequencing Project, indicating it is not a common benign variant in these populations. The R1632K mutation is a conservative amino acid substitution, which is not likely to impact secondary protein structure as these residues share similar properties. This substitution alters a highly conserved position in the voltage sensor S4 segment of the fourth transmembrane domain of the SCN2A protein. In silico analysis was inconsistent with regard to the effect this variant may have on the protein structure/function. Recently, two nearby missense mutations (T1623N and R1629L) were reported in association with early-onset epileptic encephalopathy (Nakamura et al. 2013). Parental testing was not available for the R1629L mutation but the T1623N mutation was found to be de novo (Nakamura et al. 2013). This data supports the functional importance of this region of the protein. Additionally, recent publications have reported missense mutations in neighboring codons supporting the functional importance of this region of the protein. Therefore, we interpret R1632K as a disease-causing mutation. The variant is found in INFANT-EPI panel(s).

NM_001040142.2(SCN2A):c.4895G>A (p.Arg1632Lys)

Gene: SCN2A (sodium voltage-gated channel alpha subunit 2; plus strand). Cytogenetic location: 2q24.3.
Variant type: single nucleotide variant.
Coding change: c.4895G>A on transcript NM_001040142.2 (MANE Select); coding-DNA position 4895, G replaced by A.
Protein change: p.Arg1632Lys; replaces arginine 1632 with lysine.
Molecular consequence: missense variant.
Genome position (GRCh38, 1-based): chr2:165,388,701, G>A. VCF-style: chr2-165388701-G-A. GRCh37 (hg19) VCF-style: chr2-166245211-G-A.
Other names: p.R1632K:AGG>AAG; c.4895G>A, p.Arg1632Lys (NM_001040143.2, NM_001371246.1, NM_001371247.1 and 1 more transcripts); short protein forms R1632K.
Identifiers: ClinVar variation 207020 (VCV000207020.3), dbSNP rs796053158, ClinGen allele CA318021.
Genomic context (GRCh38, chr2:165,388,701, plus strand): 5'-CTGAACTGATAGAAAAGTATTTTGTGTCCCCTACCCTGTTCCGAGTGATCCGTCTTGCCA[G>A]GATTGGCCGAATCCTACGTCTGATCAAAGGAGCAAAGGGGATCCGCACGCTGCTCTTTGC-3'
Protein context (NP_001035232.1, residues 1622-1642): PTLFRVIRLA[Arg1632Lys]IGRILRLIKG